The following is an entry in ClinVar:

ClinVar aggregate classification (germline): Likely benign. Review status: criteria provided, multiple submitters, no conflicts (2 of 4 stars). 3 submissions from 3 submitters: Likely benign (2). 1 of the submissions does not count toward it. Last evaluated 2025-09-02.

Conditions:
CACNA1A-related disorder. Also called: CACNA1A-related condition.
Developmental and epileptic encephalopathy, 42 (DEE42A). Also called: Epileptic encephalopathy, early infantile, 42; DEVELOPMENTAL AND EPILEPTIC ENCEPHALOPATHY 42A; EPILEPTIC ENCEPHALOPATHY, EARLY INFANTILE, 42A. Identifiers: MedGen C4310716, MONDO:0014917, OMIM 617106.
Episodic ataxia type 2 (EA2). Also called: ATAXIA, EPISODIC, WITH NYSTAGMUS; ATAXIA, FAMILIAL PAROXYSMAL; CEREBELLAR ATAXIA, PAROXYSMAL, ACETAZOLAMIDE-RESPONSIVE; CEREBELLOPATHY, HEREDITARY PAROXYSMAL; EPISODIC ATAXIA, NYSTAGMUS-ASSOCIATED; ACETAZOLAMIDE-RESPONSIVE HEREDITARY PAROXYSMAL CEREBELLAR ATAXIA. Identifiers: Orphanet 97, MedGen C1720416, MONDO:0007163, OMIM 108500.

Allele frequency attached by ClinVar (database versions not stated): gnomAD exomes 0.00001; gnomAD 0.00002; TOPMed 0.00002.
gnomAD v4.1: 19 of 1,612,754 alleles (0.0012%); highest among the groups gnomAD compares: African/African-American, 0.0027%; no homozygotes.

Submissions (3):

Labcorp Genetics (formerly Invitae), Labcorp
Classification: Likely benign for Developmental and epileptic encephalopathy, 42; Episodic ataxia type 2. Last evaluated: 2025-09-02. Review status: criteria provided, single submitter. Criteria: Invitae Variant Classification Sherloc (09022015). Collection method: clinical testing. Allele origin: germline.

CeGaT Center for Human Genetics Tuebingen
Classification: Likely benign. Last evaluated: 2023-09-01. Review status: criteria provided, single submitter. Criteria: CeGaT Center For Human Genetics Tuebingen Variant Classification Criteria Version 2. Collection method: clinical testing. Allele origin: germline. Affected: yes. Observed: 1 variant allele.
Comment: CACNA1A: BP4, BP7

PreventionGenetics, part of Exact Sciences
Classification: Likely benign for CACNA1A-related condition. Last evaluated: 2019-10-14. Review status: no assertion criteria provided. Collection method: clinical testing. Allele origin: germline. Not counted in ClinVar's aggregate classification.
Comment: This variant is classified as likely benign based on ACMG/AMP sequence variant interpretation guidelines (Richards et al. 2015 PMID: 25741868, with internal and published modifications).

NM_001127222.2(CACNA1A):c.3264C>T (p.Ala1088=)

Gene: CACNA1A (calcium voltage-gated channel subunit alpha1 A; minus strand). Cytogenetic location: 19p13.13.
Variant type: single nucleotide variant.
Coding change: c.3264C>T on transcript NM_001127222.2 (MANE Select); coding-DNA position 3264, C replaced by T.
Protein change: p.Ala1088=; no amino-acid change (alanine 1088 retained).
Molecular consequence: synonymous variant.
Genome position (GRCh38, 1-based): chr19:13,286,792, G>A on the plus strand (C>T on the coding strand, the complement: CACNA1A is on the minus strand). VCF-style: chr19-13286792-G-A. GRCh37 (hg19) VCF-style: chr19-13397606-G-A.
Other names: c.3276C>T, p.Ala1092= (NM_000068.4, NM_023035.3); c.3267C>T, p.Ala1089= (NM_001127221.2, NM_001174080.2); c.3264C>T (NM_001127222.1).
Identifiers: ClinVar variation 1132907 (VCV001132907.33), dbSNP rs916089734, ClinGen allele CA305564299.
Genomic context (GRCh38, chr19:13,286,792, plus strand): 5'-GGCCAGCATGGGGCCGGGGTCGGTGCTGTTTCCCATCTTGGCTGGGCTCTGGGGCAGGCC[G>A]GCGTGGCCAAGGCTGCCGTGGGGAGCGGCCGACTCCGCGGTGGCCAGCTTGTTGTTCTTC-3'
Protein context (NP_001120694.1, residues 1078-1098): SAAPHGSLGH[Ala1088=]GLPQSPAKMG